The following is an entry in ClinVar:

NC_000009.12:g.35657910T>C

Gene: RMRP (RNA component of mitochondrial RNA processing endoribonuclease; minus strand). Cytogenetic location: 9p13.3.
Variant type: single nucleotide variant.
Genome position: GRCh38 VCF-style: chr9-35657910-T-C. GRCh37 (hg19) VCF-style: chr9-35657907-T-C.
Identifiers: ClinVar variation 1440710 (VCV001440710.3), dbSNP rs567665484, ClinGen allele CA5045845.
Genomic context (GRCh38, chr9:35,657,910, plus strand): 5'-CTCAGCGGGATACGCTTCTTGGCGGACTTTGGAGTGGGAAGCGGGGAATGTCTACGTGCG[T>C]ATGCACGTGGCACTCTCTGCCCGAGGTCCGGGGACTTTCCCCTAGGCGGAAAGGGGAGGA-3'

ClinVar aggregate classification (germline): Uncertain significance (1 of 4 stars; one submission).

Conditions:
Anauxetic dysplasia. Identifiers: Orphanet 93347, MedGen C1846796, MONDO:0011773.

Allele frequency attached by ClinVar (database versions not stated): gnomAD 0.00001; gnomAD exomes 0.00002; ExAC 0.00009.
gnomAD v4.1: 12 of 699,614 alleles (0.0017%); highest among the groups gnomAD compares: South Asian, 0.016%; no homozygotes.

Submission:

Labcorp Genetics (formerly Invitae), Labcorp
Classification: Uncertain significance for Anauxetic dysplasia. Last evaluated: 2021-07-09. Review status: criteria provided, single submitter. Criteria: Invitae Variant Classification Sherloc (09022015). Collection method: clinical testing. Allele origin: germline.
Comment: This variant occurs in the RMRP gene, which encodes an RNA molecule that does not result in a protein product. While this variant is present in population databases (rs567665484), the frequency information is unreliable, as metrics indicate poor data quality at this position in the ExAC database. This variant has not been reported in the literature in individuals affected with RMRP-related conditions. Experimental studies and prediction algorithms are not available or were not evaluated, and the functional significance of this variant is currently unknown. In summary, the available evidence is currently insufficient to determine the role of this variant in disease. Therefore, it has been classified as a Variant of Uncertain Significance.